The following is an entry in ClinVar:

NM_005334.3(HCFC1):c.4911G>A (p.Ala1637=)

Gene: HCFC1 (host cell factor C1; minus strand). Cytogenetic location: Xq28.
Variant type: single nucleotide variant.
Coding change: c.4911G>A on transcript NM_005334.3 (MANE Select); coding-DNA position 4911, G replaced by A.
Protein change: p.Ala1637=; no amino-acid change (alanine 1637 retained).
Molecular consequence: synonymous variant.
Genome position (GRCh38, 1-based): chrX:153,952,545, C>T on the plus strand (G>A on the coding strand, the complement: HCFC1 is on the minus strand). VCF-style: chrX-153952545-C-T. GRCh37 (hg19) VCF-style: chrX-153217996-C-T.
Identifiers: ClinVar variation 507687 (VCV000507687.5), dbSNP rs374047752, ClinGen allele CA10556903.

ClinVar aggregate classification (germline): Likely benign. Review status: criteria provided, multiple submitters, no conflicts (2 of 4 stars). 3 submissions from 3 submitters: Likely benign (3). Last evaluated 2026-01-28.

Conditions:
Methylmalonic acidemia with homocystinuria, type cblX (MAHCX). Also called: INTELLECTUAL DEVELOPMENTAL DISORDER, X-LINKED 3. Identifiers: Orphanet 369962, MedGen C0796208, MONDO:0010657, OMIM 309541.

Allele frequency attached by ClinVar (database versions not stated): TOPMed 0.00005; gnomAD 0.00006 and 0.00007; ExAC 0.00009; ESP Exome Variant Server 0.00010.

Submissions (3):

Labcorp Genetics (formerly Invitae), Labcorp
Classification: Likely benign for Methylmalonic acidemia with homocystinuria, type cblX. Last evaluated: 2026-01-28. Review status: criteria provided, single submitter. Criteria: Invitae Variant Classification Sherloc (09022015). Collection method: clinical testing. Allele origin: germline.

Blueprint Genetics
Classification: Likely benign. Last evaluated: 2021-06-27. Review status: criteria provided, single submitter. Criteria: ACMG Guidelines, 2015. Collection method: clinical testing. Allele origin: germline.

GeneDx
Classification: Likely benign. Last evaluated: 2017-03-07. Review status: criteria provided, single submitter. Criteria: GeneDx Variant Classification (06012015). Collection method: clinical testing. Allele origin: germline. Affected: yes.
Comment: This variant is considered likely benign or benign based on one or more of the following criteria: it is a conservative change, it occurs at a poorly conserved position in the protein, it is predicted to be benign by multiple in silico algorithms, and/or has population frequency not consistent with disease.